The following is an entry in ClinVar:

NM_020987.5(ANK3):c.7841G>A (p.Arg2614His)

Gene: ANK3 (ankyrin 3; minus strand). Cytogenetic location: 10q21.2.
Variant type: single nucleotide variant.
Coding change: c.7841G>A on transcript NM_020987.5 (MANE Select); coding-DNA position 7841, G replaced by A.
Protein change: p.Arg2614His; replaces arginine 2614 with histidine.
Molecular consequence: missense variant. On other transcripts: intron variant (4).
Genome position (GRCh38, 1-based): chr10:60,073,040, C>T on the plus strand (G>A on the coding strand, the complement: ANK3 is on the minus strand). VCF-style: chr10-60073040-C-T. GRCh37 (hg19) VCF-style: chr10-61832798-C-T.
Other names: c.7841G>A (NM_020987.3); c.4388-5031G>A (NM_001204403.2); c.4409-5031G>A (NM_001204404.2); c.4406-5031G>A (NM_001320874.2); c.1808-5031G>A (NM_001149.4); short protein forms R2614H.
Identifiers: ClinVar variation 757031 (VCV000757031.12), dbSNP rs144638470, ClinGen allele CA5511654.
Genomic context (GRCh38, chr10:60,073,040, plus strand): 5'-ACTTTCTCAGGGCTGCTACTGGTAGGGCTTTGAGAAGAATATTCTTTGCCATTTTTAGGG[C>T]GTGCCTTTTTCTCTGGGGACTGCAGTTCATCATTTAGCTTTTCAGTTTTGTCACGAAAAA-3'
Protein context (NP_066267.2, residues 2604-2624): DELQSPEKKA[Arg2614His]PKNGKEYSSQ

ClinVar aggregate classification (germline): Conflicting classifications of pathogenicity. Review status: criteria provided, conflicting classifications (1 of 4 stars). 3 submissions from 3 submitters: Uncertain significance (1); Likely benign (1). 1 of the submissions does not count toward it. Last evaluated 2026-03-10.

Conditions:
ANK3-related disorder. Also called: ANK3-related condition.

Allele frequency attached by ClinVar (database versions not stated): gnomAD exomes 0.00010 and 0.00016; ExAC 0.00024; 1000 Genomes Project 0.00060; 1000 Genomes Project 30x 0.00062; TOPMed 0.00066; gnomAD 0.00068 and 0.00071; ESP Exome Variant Server 0.00092.
gnomAD v4.1: 244 of 1,614,072 alleles (0.015%); highest among the groups gnomAD compares: African/African-American, 0.25%; no homozygotes.

Submissions (3):

GeneDx
Classification: Uncertain significance. Last evaluated: 2026-03-10. Review status: criteria provided, single submitter. Criteria: GeneDx Variant Classification Process June 2021. Collection method: clinical testing. Allele origin: germline.
Comment: In silico analysis suggests that this missense variant does not alter protein structure/function; Has not been previously published as pathogenic or benign to our knowledge

Labcorp Genetics (formerly Invitae), Labcorp
Classification: Likely benign. Last evaluated: 2024-08-15. Review status: criteria provided, single submitter. Criteria: Invitae Variant Classification Sherloc (09022015). Collection method: clinical testing. Allele origin: germline.

PreventionGenetics, part of Exact Sciences
Classification: Likely benign for ANK3-related condition. Last evaluated: 2023-12-21. Review status: no assertion criteria provided. Collection method: clinical testing. Allele origin: germline. Not counted in ClinVar's aggregate classification.
Comment: This variant is classified as likely benign based on ACMG/AMP sequence variant interpretation guidelines (Richards et al. 2015 PMID: 25741868, with internal and published modifications).